The following is an entry in ClinVar:

NM_020631.6(PLEKHG5):c.1537G>T (p.Ala513Ser)

Gene: PLEKHG5 (pleckstrin homology and RhoGEF domain containing G5; minus strand). Cytogenetic location: 1p36.31.
Variant type: single nucleotide variant.
Coding change: c.1537G>T on transcript NM_020631.6 (MANE Select); coding-DNA position 1537, G replaced by T.
Protein change: p.Ala513Ser; replaces alanine 513 with serine.
Molecular consequence: missense variant.
Genome position (GRCh38, 1-based): chr1:6,470,740, C>A on the plus strand (G>T on the coding strand, the complement: PLEKHG5 is on the minus strand). VCF-style: chr1-6470740-C-A. GRCh37 (hg19) VCF-style: chr1-6530800-C-A.
Other names: c.1648G>T, p.Ala550Ser (NM_001042663.3, NM_001265592.2); c.1537G>T, p.Ala513Ser (NM_001042664.2, NM_001042665.2, NM_001265594.3 and 1 more transcripts); c.1744G>T, p.Ala582Ser (NM_001265593.2); short protein forms A513S, A550S, A582S.
Identifiers: ClinVar variation 940485 (VCV000940485.7), dbSNP rs1214327374, ClinGen allele CA338126258.
Genomic context (GRCh38, chr1:6,470,740, plus strand): 5'-TGACGGAGCAGAGAGCCGCGCAGGGGGGACGGCTCCCGCTGGCCATCAGGGTTACCATGG[C>A]GACGACGGCCTCCTTGGCGCGCGGCTCCTCGGTCTTCCTCAGCACCGACTTGAGCAGCAG-3'
Protein context (NP_065682.2, residues 503-523): EEPRAKEAVV[Ala513Ser]MIGSVERFIH

ClinVar aggregate classification (germline): Uncertain significance (1 of 4 stars; one submission).

Conditions:
Neuronopathy, distal hereditary motor, autosomal recessive 4. Also called: Autosomal recessive lower motor neuron disease with childhood onset; NEUROPATHY, DISTAL HEREDITARY MOTOR, AUTOSOMAL RECESSIVE 4. Identifiers: Orphanet 206580, MedGen C1970211, MONDO:0012608, OMIM 611067.
Charcot-Marie-Tooth disease recessive intermediate C. Also called: CHARCOT-MARIE-TOOTH NEUROPATHY, RECESSIVE INTERMEDIATE C. Identifiers: Orphanet 369867, MedGen C3809309, MONDO:0014154, OMIM 615376.

Allele frequency attached by ClinVar (database versions not stated): gnomAD exomes below 0.00001; TOPMed 0.00002.
gnomAD v4.1: 3 of 1,557,220 alleles (0.00019%); highest among the groups gnomAD compares: African/African-American, 0.0041%; no homozygotes.

Submission:

Labcorp Genetics (formerly Invitae), Labcorp
Classification: Uncertain significance for Neuronopathy, distal hereditary motor, autosomal recessive 4; Charcot-Marie-Tooth disease recessive intermediate C. Last evaluated: 2022-08-02. Review status: criteria provided, single submitter. Criteria: Invitae Variant Classification Sherloc (09022015). Collection method: clinical testing. Allele origin: germline.
Comment: This sequence change replaces alanine, which is neutral and non-polar, with serine, which is neutral and polar, at codon 513 of the PLEKHG5 protein (p.Ala513Ser). This variant is not present in population databases (gnomAD no frequency). This variant has not been reported in the literature in individuals affected with PLEKHG5-related conditions. ClinVar contains an entry for this variant (Variation ID: 940485). Algorithms developed to predict the effect of missense changes on protein structure and function (SIFT, PolyPhen-2, Align-GVGD) all suggest that this variant is likely to be tolerated. In summary, the available evidence is currently insufficient to determine the role of this variant in disease. Therefore, it has been classified as a Variant of Uncertain Significance.